The following is an entry in ClinVar:

NM_003482.4(KMT2D):c.16015G>A (p.Ala5339Thr)

Gene: KMT2D (lysine methyltransferase 2D; minus strand). Cytogenetic location: 12q13.12.
Variant type: single nucleotide variant.
Coding change: c.16015G>A on transcript NM_003482.4 (MANE Select); coding-DNA position 16015, G replaced by A.
Protein change: p.Ala5339Thr; replaces alanine 5339 with threonine.
Molecular consequence: missense variant.
Genome position (GRCh38, 1-based): chr12:49,024,615, C>T on the plus strand (G>A on the coding strand, the complement: KMT2D is on the minus strand). VCF-style: chr12-49024615-C-T. GRCh37 (hg19) VCF-style: chr12-49418398-C-T.
Other names: short protein forms A5339T.
Identifiers: ClinVar variation 2433236 (VCV002433236.7), dbSNP rs373319977, ClinGen allele CA6545448.
Genomic context (GRCh38, chr12:49,024,615, plus strand): 5'-TGGCTCCAGCATCACAAGCTCACCGTTTGTAGTGTGTGAGGATTTTAGGCTCTGATCGGG[C>T]ACAGCCAGTGGGGTTGATCATGAGTGGCAGCTCCATAAGGGGGTGGCGCCCATAGCGGAA-3'
Protein context (NP_003473.3, residues 5329-5349): LPLMINPTGC[Ala5339Thr]RSEPKILTHY

ClinVar aggregate classification (germline): Uncertain significance. Review status: criteria provided, multiple submitters, no conflicts (2 of 4 stars). 3 submissions from 3 submitters: Uncertain significance (3). Last evaluated 2025-06-06.

Conditions:
Kabuki syndrome. Also called: NIIKAWA-KUROKI SYNDROME; Kabuki make-up syndrome. Identifiers: Orphanet 2322, MedGen C0796004, MONDO:0016512.

Allele frequency attached by ClinVar (database versions not stated): ExAC 0.00001; gnomAD 0.00001; ESP Exome Variant Server 0.00008.
gnomAD v4.1: 3 of 1,613,582 alleles (0.00019%); highest among the groups gnomAD compares: Non-Finnish European, 0.00025%; no homozygotes.

Submissions (3):

GeneDx
Classification: Uncertain significance. Last evaluated: 2025-06-06. Review status: criteria provided, single submitter. Criteria: GeneDx Variant Classification Process June 2021. Collection method: clinical testing. Allele origin: germline. Affected: yes.
Comment: Not observed at significant frequency in large population cohorts (gnomAD); In silico analysis supports that this missense variant has a deleterious effect on protein structure/function; Has not been previously published as pathogenic or benign to our knowledge

Labcorp Genetics (formerly Invitae), Labcorp
Classification: Uncertain significance for Kabuki syndrome. Last evaluated: 2023-07-22. Review status: criteria provided, single submitter. Criteria: Invitae Variant Classification Sherloc (09022015). Collection method: clinical testing. Allele origin: germline.
Comment: This variant is present in population databases (rs373319977, gnomAD 0.0009%). This sequence change replaces alanine, which is neutral and non-polar, with threonine, which is neutral and polar, at codon 5339 of the KMT2D protein (p.Ala5339Thr). This variant has not been reported in the literature in individuals affected with KMT2D-related conditions. ClinVar contains an entry for this variant (Variation ID: 2433236). Advanced modeling of protein sequence and biophysical properties (such as structural, functional, and spatial information, amino acid conservation, physicochemical variation, residue mobility, and thermodynamic stability) performed at Invitae indicates that this missense variant is expected to disrupt KMT2D protein function. In summary, the available evidence is currently insufficient to determine the role of this variant in disease. Therefore, it has been classified as a Variant of Uncertain Significance.

Revvity Omics, Revvity
Classification: Uncertain significance. Last evaluated: 2022-08-03. Review status: criteria provided, single submitter. Criteria: ACMG Guidelines, 2015. Collection method: clinical testing. Allele origin: germline.